The following is an entry in ClinVar:

ClinVar aggregate classification (germline): Likely benign (1 of 4 stars; one submission).

Submission:

CeGaT Center for Human Genetics Tuebingen
Classification: Likely benign. Last evaluated: 2023-05-01. Review status: criteria provided, single submitter. Criteria: CeGaT Center For Human Genetics Tuebingen Variant Classification Criteria Version 2. Collection method: clinical testing. Allele origin: germline. Affected: yes. Observed: 1 variant allele.
Comment: UBR1: PM2:Supporting, BP4, BP7

NM_174916.3(UBR1):c.4851A>C (p.Ala1617=)

Gene: UBR1 (ubiquitin protein ligase E3 component n-recognin 1; minus strand). Cytogenetic location: 15q15.2.
Variant type: single nucleotide variant.
Coding change: c.4851A>C on transcript NM_174916.3 (MANE Select); coding-DNA position 4851, A replaced by C.
Protein change: p.Ala1617=; no amino-acid change (alanine 1617 retained).
Molecular consequence: synonymous variant.
Genome position (GRCh38, 1-based): chr15:42,952,433, T>G on the plus strand (A>C on the coding strand, the complement: UBR1 is on the minus strand). VCF-style: chr15-42952433-T-G. GRCh37 (hg19) VCF-style: chr15-43244631-T-G.
Identifiers: ClinVar variation 2645262 (VCV002645262.24), dbSNP rs2542889114, ClinGen allele CA489907055.